The following is an entry in ClinVar:

NM_004366.6(CLCN2):c.343T>G (p.Cys115Gly)

Gene: CLCN2 (chloride voltage-gated channel 2; minus strand). Cytogenetic location: 3q27.1.
Variant type: single nucleotide variant.
Coding change: c.343T>G on transcript NM_004366.6 (MANE Select); coding-DNA position 343, T replaced by G.
Protein change: p.Cys115Gly; replaces cysteine 115 with glycine.
Molecular consequence: missense variant. On other transcripts: intron variant (1).
Genome position (GRCh38, 1-based): chr3:184,358,691, A>C on the plus strand (T>G on the coding strand, the complement: CLCN2 is on the minus strand). VCF-style: chr3-184358691-A-C. GRCh37 (hg19) VCF-style: chr3-184076479-A-C.
Other names: c.343T>G (NM_004366.4); c.343T>G, p.Cys115Gly (NM_001171087.3, NM_001171089.3); c.220+284T>G (NM_001171088.3); short protein forms C115G.
Identifiers: ClinVar variation 1377757 (VCV001377757.7), dbSNP rs1200465467, ClinGen allele CA355457374.

ClinVar aggregate classification (germline): Uncertain significance. Review status: criteria provided, multiple submitters, no conflicts (2 of 4 stars). 2 submissions from 2 submitters: Uncertain significance (2). Last evaluated 2025-04-19.

Conditions:
Inborn genetic diseases. Identifiers: MedGen C0950123, MeSH D030342.

Allele frequency attached by ClinVar (database versions not stated): gnomAD exomes below 0.00001 and 0.00001; TOPMed below 0.00001.
gnomAD v4.1: 1 of 1,577,354 alleles (0.000063%); highest among the groups gnomAD compares: Admixed American, 0.0018%; no homozygotes.

Submissions (2):

Ambry Genetics
Classification: Uncertain significance for Inborn genetic diseases. Last evaluated: 2025-04-19. Review status: criteria provided, single submitter. Criteria: Ambry Variant Classification Scheme 2023. Collection method: clinical testing. Allele origin: germline.

Labcorp Genetics (formerly Invitae), Labcorp
Classification: Uncertain significance. Last evaluated: 2021-10-22. Review status: criteria provided, single submitter. Criteria: Invitae Variant Classification Sherloc (09022015). Collection method: clinical testing. Allele origin: germline.
Comment: In summary, the available evidence is currently insufficient to determine the role of this variant in disease. Therefore, it has been classified as a Variant of Uncertain Significance. Advanced modeling of protein sequence and biophysical properties (such as structural, functional, and spatial information, amino acid conservation, physicochemical variation, residue mobility, and thermodynamic stability) performed at Invitae indicates that this missense variant is not expected to disrupt CLCN2 protein function. This variant has not been reported in the literature in individuals affected with CLCN2-related conditions. This variant is not present in population databases (ExAC no frequency). This sequence change replaces cysteine with glycine at codon 115 of the CLCN2 protein (p.Cys115Gly). The cysteine residue is highly conserved and there is a large physicochemical difference between cysteine and glycine.